The following is an entry in ClinVar:

ClinVar aggregate classification (germline): Uncertain significance. Review status: criteria provided, multiple submitters, no conflicts (2 of 4 stars). 3 submissions from 3 submitters: Uncertain significance (3). Last evaluated 2023-10-03.

Allele frequency attached by ClinVar (database versions not stated): ESP Exome Variant Server 0.00008; gnomAD 0.00011 and 0.00013; TOPMed 0.00013; ExAC 0.00015; gnomAD exomes 0.00016 and 0.00018.

Submissions (3):

Labcorp Genetics (formerly Invitae), Labcorp
Classification: Uncertain significance. Last evaluated: 2023-10-03. Review status: criteria provided, single submitter. Criteria: Invitae Variant Classification Sherloc (09022015). Collection method: clinical testing. Allele origin: germline.
Comment: This sequence change replaces methionine, which is neutral and non-polar, with threonine, which is neutral and polar, at codon 322 of the KIF1BP protein (p.Met322Thr). This variant is present in population databases (rs141279010, gnomAD 0.04%). This variant has not been reported in the literature in individuals affected with KIF1BP-related conditions. ClinVar contains an entry for this variant (Variation ID: 1681416). An algorithm developed to predict the effect of missense changes on protein structure and function (PolyPhen-2) suggests that this variant¬†is likely to be tolerated. In summary, the available evidence is currently insufficient to determine the role of this variant in disease. Therefore, it has been classified as a Variant of Uncertain Significance.

GeneDx
Classification: Uncertain significance. Last evaluated: 2022-03-17. Review status: criteria provided, single submitter. Criteria: GeneDx Variant Classification Process June 2021. Collection method: clinical testing. Allele origin: germline. Affected: yes.
Comment: In silico analysis supports that this missense variant does not alter protein structure/function; Has not been previously published as pathogenic or benign to our knowledge

Ambry Genetics
Classification: Uncertain significance. Last evaluated: 2021-08-02. Review status: criteria provided, single submitter. Criteria: Ambry Variant Classification Scheme 2023. Collection method: clinical testing. Allele origin: germline.

NM_015634.4(KIFBP):c.965T>C (p.Met322Thr)

Gene: KIFBP (kinesin family binding protein; plus strand). Cytogenetic location: 10q22.1.
Variant type: single nucleotide variant.
Coding change: c.965T>C on transcript NM_015634.4 (MANE Select); coding-DNA position 965, T replaced by C.
Protein change: p.Met322Thr; replaces methionine 322 with threonine.
Molecular consequence: missense variant.
Genome position (GRCh38, 1-based): chr10:69,010,990, T>C. VCF-style: chr10-69010990-T-C. GRCh37 (hg19) VCF-style: chr10-70770746-T-C.
Other names: short protein forms M322T.
Identifiers: ClinVar variation 1681416 (VCV001681416.8), dbSNP rs141279010, ClinGen allele CA5529805.
Genomic context (GRCh38, chr10:69,010,990, plus strand): 5'-TTTATCATCAAAGAAAGGGGGAAATAGCAAGGTGCTGGATCAAATACTGTTTGACTCTCA[T>C]GCAGAATGCCCAACTCTCCATGCAGGTAATGCAGTCAGAAGCTGCCTTTTTCTTTCTTAA-3'
Protein context (NP_056449.1, residues 312-332): RCWIKYCLTL[Met322Thr]QNAQLSMQDN